The following is an entry in ClinVar:

ClinVar aggregate classification (germline): Uncertain significance. Review status: criteria provided, multiple submitters, no conflicts (2 of 4 stars). 2 submissions from 2 submitters: Uncertain significance (2). Last evaluated 2025-06-13.

Submissions (2):

Labcorp Genetics (formerly Invitae), Labcorp
Classification: Uncertain significance. Last evaluated: 2025-06-13. Review status: criteria provided, single submitter. Criteria: Invitae Variant Classification Sherloc (09022015). Collection method: clinical testing. Allele origin: germline.
Comment: This sequence change replaces alanine, which is neutral and non-polar, with proline, which is neutral and non-polar, at codon 635 of the HMCN1 protein (p.Ala635Pro). This variant is not present in population databases (gnomAD no frequency). This variant has not been reported in the literature in individuals affected with HMCN1-related conditions. ClinVar contains an entry for this variant (Variation ID: 2877747). An algorithm developed to predict the effect of missense changes on protein structure and function (PolyPhen-2) suggests that this variant is likely to be disruptive. Algorithms developed to predict the effect of sequence changes on RNA splicing suggest that this variant may create or strengthen a splice site. In summary, the available evidence is currently insufficient to determine the role of this variant in disease. Therefore, it has been classified as a Variant of Uncertain Significance.

Ambry Genetics
Classification: Uncertain significance. Last evaluated: 2024-11-10. Review status: criteria provided, single submitter. Criteria: Ambry Variant Classification Scheme 2023. Collection method: clinical testing. Allele origin: germline.

NM_031935.3(HMCN1):c.1903G>C (p.Ala635Pro)

Gene: HMCN1 (hemicentin 1; plus strand). Cytogenetic location: 1q31.1.
Variant type: single nucleotide variant.
Coding change: c.1903G>C on transcript NM_031935.3 (MANE Select); coding-DNA position 1903, G replaced by C.
Protein change: p.Ala635Pro; replaces alanine 635 with proline.
Molecular consequence: missense variant.
Genome position (GRCh38, 1-based): chr1:185,962,592, G>C. VCF-style: chr1-185962592-G-C. GRCh37 (hg19) VCF-style: chr1-185931724-G-C.
Other names: c.1903G>C (NM_031935.2); short protein forms A635P.
Identifiers: ClinVar variation 2877747 (VCV002877747.4), dbSNP rs1427128292, ClinGen allele CA343874529.